The following is an entry in ClinVar:

NM_001018116.2(CAVIN4):c.714_734del (p.234LRQSGER[2])

Gene: CAVIN4 (caveolae associated protein 4; plus strand). Cytogenetic location: 9q31.1.
Variant type: Deletion.
Coding change: c.714_734del on transcript NM_001018116.2 (MANE Select); coding-DNA positions 714 to 734, 21 bases deleted (AGAGAGGCTGAGACAGTCAGG).
Protein change: p.234LRQSGER[2].
Molecular consequence: inframe deletion.
Genome position (GRCh38, 1-based): chr9:100,586,070-100,586,090, AGAGAGGCTGAGACAGTCAGG deleted; deleting any 21 consecutive bases within chr9:100,586,062-100,586,090 gives the same sequence; the c. name uses the placement nearest the transcript's 3' end. VCF-style (leftmost placement, unchanged base first): chr9-100586061-GCAGTCAGGAGAGAGGCTGAGA-G. GRCh37 (hg19) VCF-style: chr9-103348343-GCAGTCAGGAGAGAGGCTGAGA-G.
Other names: c.714_734delAGAGAGGCTGAGACAGTCAGG (NM_001018116.2).
Identifiers: ClinVar variation 1191217 (VCV001191217.2), dbSNP rs777590435, ClinGen allele CA5160140.

ClinVar aggregate classification (germline): Likely benign (1 of 4 stars; one submission).

Submission:

GeneDx
Classification: Likely benign. Last evaluated: 2021-02-22. Review status: criteria provided, single submitter. Criteria: GeneDx Variant Classification Process June 2021. Collection method: clinical testing. Allele origin: germline. Affected: yes.
Comment: This variant is associated with the following publications: (PMID: 21642240)